The following is an entry in ClinVar:

NM_001365088.1(SLC12A6):c.*1098G>A

Gene: SLC12A6 (solute carrier family 12 member 6; minus strand). Cytogenetic location: 15q14.
Variant type: single nucleotide variant.
Coding change: c.*1098G>A on transcript NM_001365088.1 (MANE Select); 1098 bases downstream of the stop codon, G replaced by A.
Molecular consequence: 3 prime UTR variant.
Genome position (GRCh38, 1-based): chr15:34,232,783, C>T on the plus strand (G>A on the coding strand, the complement: SLC12A6 is on the minus strand). VCF-style: chr15-34232783-C-T. GRCh37 (hg19) VCF-style: chr15-34524984-C-T.
Other names: c.*1098G>A (NM_001042494.2, NM_001042495.2, NM_001042496.2 and 3 more transcripts).
Identifiers: ClinVar variation 315594 (VCV000315594.5), dbSNP rs117846663, ClinGen allele CA10635817.

ClinVar aggregate classification (germline): Benign (1 of 4 stars; one submission).

Conditions:
Agenesis of the corpus callosum with peripheral neuropathy (ACCPN). Also called: CHARLEVOIX DISEASE; POLYNEUROPATHY, SENSORIMOTOR, WITH OR WITHOUT AGENESIS OF THE CORPUS CALLOSUM; HMSN/ACC; Hereditary Motor and Sensory Neuropathy with Agenesis of the Corpus Callosum. Identifiers: Orphanet 1496, MedGen C0795950, MONDO:0000902, OMIM 218000. Disease mechanism: loss of function.

Allele frequency attached by ClinVar (database versions not stated): 1000 Genomes Project 0.01558; 1000 Genomes Project 30x 0.01577; gnomAD 0.02243 and 0.02253; TOPMed 0.02348; gnomAD exomes 0.03052.
gnomAD v4.1: 3,439 of 152,556 alleles (2.3%); highest among the groups gnomAD compares: Admixed American, 4.6%; 54 homozygotes.

Submission:

Illumina Laboratory Services, Illumina
Classification: Benign for Agenesis of the corpus callosum with peripheral neuropathy. Last evaluated: 2018-01-12. Review status: criteria provided, single submitter. Criteria: ICSL Variant Classification Criteria 13 December 2019. Collection method: clinical testing. Allele origin: germline.
Comment: This variant was observed in the ICSL laboratory as part of a predisposition screen in an ostensibly healthy population. It had not been previously curated by ICSL or reported in the Human Gene Mutation Database (HGMD: prior to June 1st, 2018), and was therefore a candidate for classification through an automated scoring system. Utilizing variant allele frequency, disease prevalence and penetrance estimates, and inheritance mode, an automated score was calculated to assess if this variant is too frequent to cause the disease. Based on the score and internal cut-off values, a variant classified as benign is not then subjected to further curation. The score for this variant resulted in a classification of benign for this disease.